The following is an entry in ClinVar:

ClinVar aggregate classification (germline): Uncertain significance (1 of 4 stars; one submission).

Conditions:
Cardiovascular phenotype. Identifiers: MedGen CN230736.

Submission:

Ambry Genetics
Classification: Uncertain significance for Cardiovascular phenotype. Last evaluated: 2026-06-09. Review status: criteria provided, single submitter. Criteria: Ambry Variant Classification Scheme 2023. Collection method: clinical testing. Allele origin: germline.
Comment: The p.P1200T variant (also known as c.3598C>A), located in coding exon 24 of the TRPM4 gene, results from a C to A substitution at nucleotide position 3598. The proline at codon 1200 is replaced by threonine, an amino acid with highly similar properties. This amino acid position is conserved. In addition, this alteration is predicted to be tolerated by in silico analysis. Based on the available evidence, the clinical significance of this variant remains unclear.

NM_017636.4(TRPM4):c.3598C>A (p.Pro1200Thr)

Gene: TRPM4 (transient receptor potential cation channel subfamily M member 4; plus strand). Cytogenetic location: 19q13.33.
Variant type: single nucleotide variant.
Coding change: c.3598C>A on transcript NM_017636.4 (MANE Select); coding-DNA position 3598, C replaced by A.
Protein change: p.Pro1200Thr; replaces proline 1200 with threonine.
Molecular consequence: missense variant.
Genome position (GRCh38, 1-based): chr19:49,211,227, C>A. VCF-style: chr19-49211227-C-A. GRCh37 (hg19) VCF-style: chr19-49714484-C-A.
Other names: c.3163C>A, p.Pro1055Thr (NM_001195227.2); c.3253C>A, p.Pro1085Thr (NM_001321281.2); c.1990C>A, p.Pro664Thr (NM_001321282.2); c.3076C>A, p.Pro1026Thr (NM_001321283.2); c.2536C>A, p.Pro846Thr (NM_001321285.2); short protein forms P846T, P1026T, P1055T, P1085T, P1200T, P664T.
Identifiers: ClinVar variation 4865982 (VCV004865982.1).